The following is an entry in ClinVar:

ClinVar aggregate classification (germline): Uncertain significance (1 of 4 stars; one submission).

Conditions:
WNK1-related disorder. Also called: WNK1-related condition.

gnomAD v4.1: 17 of 1,613,668 alleles (0.0011%); highest among the groups gnomAD compares: African/African-American, 0.023%; no homozygotes.

Submission:

PreventionGenetics, part of Exact Sciences
Classification: Uncertain significance for WNK1-related condition. Last evaluated: 2025-04-25. Review status: criteria provided, single submitter. Criteria: ACMG Guidelines, 2015. Collection method: clinical testing. Allele origin: germline.
Comment: The WNK1 c.2528A>G variant is predicted to result in the amino acid substitution p.Gln843Arg. To our knowledge, this variant has not been reported in the literature. This variant is reported in 0.031% of alleles in individuals of African descent in gnomAD. At this time, the clinical significance of this variant is uncertain due to the absence of conclusive functional and genetic evidence.

NM_018979.4(WNK1):c.2528A>G (p.Gln843Arg)

Gene: WNK1 (WNK lysine deficient protein kinase 1; plus strand). Cytogenetic location: 12p13.33.
Variant type: single nucleotide variant.
Coding change: c.2528A>G on transcript NM_018979.4 (MANE Select); coding-DNA position 2528, A replaced by G.
Protein change: p.Gln843Arg; replaces glutamine 843 with arginine.
Molecular consequence: missense variant. On other transcripts: intron variant (3).
Genome position (GRCh38, 1-based): chr12:879,727, A>G. VCF-style: chr12-879727-A-G. GRCh37 (hg19) VCF-style: chr12-988893-A-G.
Other names: c.3867+1366A>G (NM_213655.5); c.3613-994A>G (NM_001184985.2); c.2370+1366A>G (NM_014823.3); short protein forms Q843R.
Identifiers: ClinVar variation 4982548 (VCV004982548.1).